The following is an entry in ClinVar:

ClinVar aggregate classification (germline): Pathogenic/Likely pathogenic. Review status: criteria provided, multiple submitters, no conflicts (2 of 4 stars). 4 submissions from 4 submitters: Pathogenic (2); Likely pathogenic (1). 1 of the submissions does not count toward it. Last evaluated 2025-02-12.

Conditions:
Desmin-related myofibrillar myopathy (MFM1). Also called: MYOFIBRILLAR MYOPATHY WITH ARRHYTHMOGENIC RIGHT VENTRICULAR CARDIOMYOPATHY; DESMIN-RELATED MYOPATHY WITH ARRHYTHMOGENIC RIGHT VENTRICULAR CARDIOMYOPATHY; Desminopathy; Desmin related myopathy (former name); Desmin storage myopathy (former name); Myofibrillar myopathy 1. Identifiers: Orphanet 363543, Orphanet 98909, MedGen C1832370, MONDO:0011076, OMIM 601419.

Submissions (4):

Labcorp Genetics (formerly Invitae), Labcorp
Classification: Pathogenic for Desmin-related myofibrillar myopathy. Last evaluated: 2025-02-12. Review status: criteria provided, single submitter. Criteria: Invitae Variant Classification Sherloc (09022015). Collection method: clinical testing. Allele origin: germline.
Comment: This sequence change affects a donor splice site in intron 3 of the DES gene. RNA analysis indicates that disruption of this splice site induces altered splicing and likely results in a shortened protein product. This variant is not present in population databases (gnomAD no frequency). Disruption of this splice site has been observed in individuals with autosomal dominant DES-related conditions (PMID: 28703267, 30614851; internal data). ClinVar contains an entry for this variant (Variation ID: 44268). Studies have shown that disruption of this splice site results in skipping of exon 3, but is expected to preserve the integrity of the reading-frame (PMID: 29034897, 30614851). For these reasons, this variant has been classified as Pathogenic.

Laboratory for Molecular Medicine, Mass General Brigham Personalized Medicine
Classification: Likely pathogenic for Desmin-related myofibrillar myopathy. Last evaluated: 2017-05-22. Review status: criteria provided, single submitter. Criteria: LMM Criteria. Collection method: clinical testing. Allele origin: germline. Inheritance: Autosomal dominant inheritance. Observed: 3 variant alleles.
Comment: The c.735+1G>A variant in DES has been reported in at least 2 individuals with d esminopathy (Shatunov et al., unpublished data; reviewed by Goldfarb 2004, Gudko va 2013, LMM data), and was absent from large population studies. This variant o ccurs in the invariant region (+/- 1,2) of the splice consensus sequence and is predicted to cause altered splicing leading to an abnormal or absent protein. Ad ditional variants affecting splicing of this exon have been reported in individu als with desminopathy including a different variant at the same position (c.7351 +G>C LMM data: variant occurred de novo) and c.735+3A>G (identified in 6 individ uals with desminopathy and segregated in 9 individuals from 2 families: Park 200 0, Dalakas 2000, Wahni 2012, Greenberg 2012, McDonald 2012, Gudkova 2013, LMM un published data). In summary, although additional studies are required to fully e stablish its clinical significance, the c.735+1G>A variant is likely pathogenic.

Eurofins Ntd Llc (ga)
Classification: Pathogenic. Last evaluated: 2016-06-23. Review status: criteria provided, single submitter. Criteria: EGL Classification Definitions 2015. Collection method: clinical testing. Allele origin: germline. Observed: 1 variant allele, 1 heterozygote.

Genomics England Pilot Project, Genomics England
Classification: Likely pathogenic for Desmin-related myofibrillar myopathy. Review status: no assertion criteria provided. Criteria: ACGS Guidelines, 2016. Collection method: clinical testing. Allele origin: germline. Affected: yes. Not counted in ClinVar's aggregate classification.

Literature cited by the submitters: PubMed 28703267 (cited by Labcorp Genetics (formerly Invitae), Labcorp); PubMed 30614851 (cited by Labcorp Genetics (formerly Invitae), Labcorp); PubMed 29034897 (cited by Labcorp Genetics (formerly Invitae), Labcorp); PubMed 11073539 (cited by Laboratory for Molecular Medicine, Mass General Brigham Personalized Medicine); PubMed 14724127 (cited by Laboratory for Molecular Medicine, Mass General Brigham Personalized Medicine and Eurofins Ntd Llc (ga)); PubMed 22484823 (cited by Laboratory for Molecular Medicine, Mass General Brigham Personalized Medicine and Eurofins Ntd Llc (ga)).

NM_001927.4(DES):c.735+1G>A

Gene: DES (desmin; plus strand). Cytogenetic location: 2q35.
Variant type: single nucleotide variant.
Coding change: c.735+1G>A on transcript NM_001927.4 (MANE Select); the canonical splice donor site of the intron after coding-DNA position 735, G replaced by A.
Molecular consequence: splice donor variant. On other transcripts: intron variant (1).
Genome position (GRCh38, 1-based): chr2:219,420,347, G>A. VCF-style: chr2-219420347-G-A. GRCh37 (hg19) VCF-style: chr2-220285069-G-A.
Other names: c.735+1G>A (NM_001382712.1, NM_001382711.1, NM_001382710.1 and 1 more transcripts); c.732+1G>A (NM_001382708.1); c.496-178G>A (NM_001382713.1).
Identifiers: ClinVar variation 44268 (VCV000044268.22), dbSNP rs397516698, ClinGen allele CA261522.